The following is an entry in ClinVar:

ClinVar aggregate classification (germline): Pathogenic (1 of 4 stars; one submission).

Conditions:
Early-infantile DEE. Also called: Ohtahara syndrome; Early infantile epileptic encephalopathy; Early infantile epileptic encephalopathy with suppression bursts. Identifiers: Orphanet 1934, MedGen C0393706, MONDO:0800491.

Submission:

Labcorp Genetics (formerly Invitae), Labcorp
Classification: Pathogenic for Early-infantile DEE. Last evaluated: 2022-06-04. Review status: criteria provided, single submitter. Criteria: Invitae Variant Classification Sherloc (09022015). Collection method: clinical testing. Allele origin: germline.
Comment: This sequence change replaces valine, which is neutral and non-polar, with aspartic acid, which is acidic and polar, at codon 983 of the SCN1A protein (p.Val983Asp). This variant is not present in population databases (gnomAD no frequency). This missense change has been observed in individual(s) with SCN1A-related disease (Invitae). In at least one individual the variant was observed to be de novo. ClinVar contains an entry for this variant (Variation ID: 568075). Algorithms developed to predict the effect of missense changes on protein structure and function (SIFT, PolyPhen-2, Align-GVGD) all suggest that this variant is likely to be disruptive. This variant disrupts the p.Val983 amino acid residue in SCN1A. Other variant(s) that disrupt this residue have been determined to be pathogenic (PMID: 12566275, 22140375; Invitae). This suggests that this residue is clinically significant, and that variants that disrupt this residue are likely to be disease-causing. For these reasons, this variant has been classified as Pathogenic.

Literature cited by the submitters: PubMed 12566275; PubMed 22140375.

NM_001165963.4(SCN1A):c.2948T>A (p.Val983Asp)

Gene: SCN1A (sodium voltage-gated channel alpha subunit 1; minus strand). Cytogenetic location: 2q24.3.
Variant type: single nucleotide variant.
Coding change: c.2948T>A on transcript NM_001165963.4 (MANE Select); coding-DNA position 2948, T replaced by A.
Protein change: p.Val983Asp; replaces valine 983 with aspartic acid.
Molecular consequence: missense variant. On other transcripts: non-coding transcript variant (1).
Genome position (GRCh38, 1-based): chr2:166,036,529, A>T on the plus strand (T>A on the coding strand, the complement: SCN1A is on the minus strand). VCF-style: chr2-166036529-A-T. GRCh37 (hg19) VCF-style: chr2-166893039-A-T.
Other names: c.2864T>A, p.Val955Asp (NM_001165964.3, NM_001353957.2, NM_001353958.2); c.2948T>A, p.Val983Asp (NM_001202435.3, NM_001353948.2); c.2915T>A, p.Val972Asp (NM_001353949.2, NM_001353950.2, NM_001353951.2 and 2 more transcripts); c.2912T>A, p.Val971Asp (NM_001353954.2, NM_001353955.2); c.2861T>A, p.Val954Asp (NM_001353960.2); c.506T>A, p.Val169Asp (NM_001353961.2); short protein forms V972D, V983D, V955D, V169D, V971D, V954D.
Identifiers: ClinVar variation 568075 (VCV000568075.10), dbSNP rs121918756, ClinGen allele CA349060656.